The following is an entry in ClinVar:

NM_000512.5(GALNS):c.196G>C (p.Gly66Arg)

Gene: GALNS (galactosamine (N-acetyl)-6-sulfatase; minus strand). Cytogenetic location: 16q24.3.
Variant type: single nucleotide variant.
Coding change: c.196G>C on transcript NM_000512.5 (MANE Select); coding-DNA position 196, G replaced by C.
Protein change: p.Gly66Arg; replaces glycine 66 with arginine.
Molecular consequence: missense variant. On other transcripts: intron variant (1).
Genome position (GRCh38, 1-based): chr16:88,842,754, C>G on the plus strand (G>C on the coding strand, the complement: GALNS is on the minus strand). VCF-style: chr16-88842754-C-G. GRCh37 (hg19) VCF-style: chr16-88909162-C-G.
Other names: c.214G>C, p.Gly72Arg (NM_001323544.2); c.-311-783G>C (NM_001323543.2); short protein forms G66R, G72R.
Identifiers: ClinVar variation 1048268 (VCV001048268.3), dbSNP rs1967035346, ClinGen allele CA397091583.

ClinVar aggregate classification (germline): Conflicting classifications of pathogenicity. Review status: criteria provided, conflicting classifications (1 of 4 stars). 2 submissions from 2 submitters: Likely pathogenic (1); Uncertain significance (1). Last evaluated 2025-09-04.

Conditions:
Mucopolysaccharidosis, MPS-IV-A (MPS4A). Also called: Mucopolysaccharidosis type IV A; Mucopolysaccharidosis Type IVA; Morquio syndrome A, mild; MORQUIO SYNDROME A; MPS IVA; mucopolysaccharidosis type 4A. Identifiers: Orphanet 309297, Orphanet 582, MedGen C0086651, MONDO:0009659, OMIM 253000.

Submissions (2):

First Genomix Gene Laboratory, Genetic Diagnostics Department
Classification: Likely pathogenic for Mucopolysaccharidosis, MPS-IV-A. Last evaluated: 2025-09-04. Review status: criteria provided, single submitter. Criteria: ACMG Guidelines, 2015. Collection method: clinical testing. Allele origin: germline. Inheritance: Autosomal recessive inheritance. Affected: no. Observed: 1 variant allele.

Laboratory of Diagnosis and Therapy of Lysosomal Disorders, University of Padova
Classification: Uncertain significance for Mucopolysaccharidosis, MPS-IV-A. Last evaluated: 2021-02-01. Review status: criteria provided, single submitter. Criteria: ACMG Guidelines, 2015. Collection method: curation. Allele origin: germline. Affected: yes.
Comment: In vivo functional studies supportive of a damaging effect on the gene product (low to null enzymatic activity in homozygotes; PS3_supporting); absent from gnomAD v2.1.1 (PM2_moderate); multiple lines of computational evidence support a deleterious effect on the gene (PP3_supporting)

Literature cited by the submitters: PubMed 16378744 (cited by Laboratory of Diagnosis and Therapy of Lysosomal Disorders, University of Padova); PubMed 21896407 (cited by Laboratory of Diagnosis and Therapy of Lysosomal Disorders, University of Padova); PubMed 22078177 (cited by Laboratory of Diagnosis and Therapy of Lysosomal Disorders, University of Padova); PubMed 27317439 (cited by Laboratory of Diagnosis and Therapy of Lysosomal Disorders, University of Padova); PubMed 34387910 (cited by Laboratory of Diagnosis and Therapy of Lysosomal Disorders, University of Padova).